The following is an entry in ClinVar:

NM_004055.5(CAPN5):c.1108C>T (p.Arg370Ter)

Gene: CAPN5 (calpain 5; plus strand). Cytogenetic location: 11q13.5.
Variant type: single nucleotide variant.
Coding change: c.1108C>T on transcript NM_004055.5 (MANE Select); coding-DNA position 1108, C replaced by T.
Protein change: p.Arg370Ter; replaces arginine 370 with a stop codon.
Molecular consequence: nonsense.
Genome position (GRCh38, 1-based): chr11:77,118,293, C>T. VCF-style: chr11-77118293-C-T. GRCh37 (hg19) VCF-style: chr11-76829339-C-T.
Other names: short protein forms R370*.
Identifiers: ClinVar variation 1513153 (VCV001513153.6), dbSNP rs565629714, ClinGen allele CA6196687.

ClinVar aggregate classification (germline): Uncertain significance (1 of 4 stars; one submission).

Allele frequency attached by ClinVar (database versions not stated): TOPMed 0.00005; gnomAD exomes 0.00002; ExAC 0.00003; 1000 Genomes Project 0.00020; gnomAD 0.00004; 1000 Genomes Project 30x 0.00016.
gnomAD v4.1: 15 of 1,613,318 alleles (0.00093%); highest among the groups gnomAD compares: African/African-American, 0.004%; no homozygotes.

Submission:

Labcorp Genetics (formerly Invitae), Labcorp
Classification: Uncertain significance. Last evaluated: 2025-05-13. Review status: criteria provided, single submitter. Criteria: Invitae Variant Classification Sherloc (09022015). Collection method: clinical testing. Allele origin: germline.
Comment: This sequence change creates a premature translational stop signal (p.Arg370*) in the CAPN5 gene. It is expected to result in an absent or disrupted protein product. However, the current clinical and genetic evidence is not sufficient to establish whether loss-of-function variants in CAPN5 cause disease. This variant is present in population databases (rs565629714, gnomAD 0.007%). This variant has not been reported in the literature in individuals affected with CAPN5-related conditions. ClinVar contains an entry for this variant (Variation ID: 1513153). In summary, the available evidence is currently insufficient to determine the role of this variant in disease. Therefore, it has been classified as a Variant of Uncertain Significance.